The following is an entry in ClinVar:

ClinVar aggregate classification (germline): Benign (0 of 4 stars; one submission).

Conditions:
KALRN-related disorder. Also called: KALRN-related condition.

Allele frequency attached by ClinVar (database versions not stated): gnomAD exomes 0.00024; ExAC 0.00096; gnomAD 0.00312; TOPMed 0.00351; ESP Exome Variant Server 0.00384; 1000 Genomes Project 0.00519; 1000 Genomes Project 30x 0.00593.
gnomAD v4.1: 826 of 1,613,052 alleles (0.051%); highest among the groups gnomAD compares: African/African-American, 1%; 6 homozygotes.

Submission:

PreventionGenetics, part of Exact Sciences
Classification: Benign for KALRN-related condition. Last evaluated: 2019-06-03. Review status: no assertion criteria provided. Collection method: clinical testing. Allele origin: germline.
Comment: This variant is classified as benign based on ACMG/AMP sequence variant interpretation guidelines (Richards et al. 2015 PMID: 25741868, with internal and published modifications).

NM_001388419.1(KALRN):c.2064G>A (p.Gln688=)

Gene: KALRN (kalirin RhoGEF kinase; plus strand). Cytogenetic location: 3q21.2.
Variant type: single nucleotide variant.
Coding change: c.2064G>A on transcript NM_001388419.1 (MANE Select); coding-DNA position 2064, G replaced by A.
Protein change: p.Gln688=; no amino-acid change (glutamine 688 retained).
Molecular consequence: synonymous variant. On other transcripts: non-coding transcript variant (2).
Genome position (GRCh38, 1-based): chr3:124,395,236, G>A. VCF-style: chr3-124395236-G-A. GRCh37 (hg19) VCF-style: chr3-124114083-G-A.
Other names: c.2058G>A, p.Gln686= (NM_001024660.5, NM_001322988.2, NM_001322989.2 and 4 more transcripts); c.135G>A, p.Gln45= (NM_001388412.1, NM_001388413.1, NM_001388414.1 and 2 more transcripts); c.2064G>A, p.Gln688= (NM_001388417.1, NM_001388418.1).
Identifiers: ClinVar variation 3041505 (VCV003041505.2), dbSNP rs72978468, ClinGen allele CA2579349.
Genomic context (GRCh38, chr3:124,395,236, plus strand): 5'-GGATGTCTGTGCAGATTCTGTGGATGCAGTCCAGGAACTGATCAAGCAGTTCCAGCAGCA[G>A]CAGACCGCCACTCTAGATGCCACACTCAATGTCATCAAGGAAGGCGAAGACCTTATCCAG-3'
Protein context (NP_001375348.1, residues 678-698): VQELIKQFQQ[Gln688=]QTATLDATLN